The following is an entry in ClinVar:

NM_000123.4(ERCC5):c.3396A>G (p.Ser1132=)

Genes: BIVM-ERCC5 (BIVM-ERCC5 readthrough; plus strand), ERCC5 (ERCC excision repair 5, endonuclease; plus strand). Cytogenetic location: 13q33.1.
Variant type: single nucleotide variant.
Coding change: c.3396A>G on transcript NM_000123.4 (MANE Select); coding-DNA position 3396, A replaced by G.
Protein change: p.Ser1132=; no amino-acid change (serine 1132 retained).
Molecular consequence: synonymous variant.
Genome position (GRCh38, 1-based): chr13:102,875,738, A>G. VCF-style: chr13-102875738-A-G. GRCh37 (hg19) VCF-style: chr13-103528088-A-G.
Other names: c.4758A>G, p.Ser1586= (NM_001204425.2).
Identifiers: ClinVar variation 2643926 (VCV002643926.25), dbSNP rs1225882613, ClinGen allele CA484859273.

ClinVar aggregate classification (germline): Likely benign. Review status: criteria provided, multiple submitters, no conflicts (2 of 4 stars). 2 submissions from 2 submitters: Likely benign (2). Last evaluated 2025-12-30.

Allele frequency attached by ClinVar (database versions not stated): gnomAD exomes below 0.00001; gnomAD 0.00001; TOPMed 0.00001.
gnomAD v4.1: 7 of 1,614,112 alleles (0.00043%); highest among the groups gnomAD compares: African/African-American, 0.0013%; no homozygotes.

Submissions (2):

Labcorp Genetics (formerly Invitae), Labcorp
Classification: Likely benign. Last evaluated: 2025-12-30. Review status: criteria provided, single submitter. Criteria: Invitae Variant Classification Sherloc (09022015). Collection method: clinical testing. Allele origin: germline.

CeGaT Center for Human Genetics Tuebingen
Classification: Likely benign. Last evaluated: 2022-11-01. Review status: criteria provided, single submitter. Criteria: CeGaT Center For Human Genetics Tuebingen Variant Classification Criteria Version 2. Collection method: clinical testing. Allele origin: germline. Affected: yes. Observed: 1 variant allele.
Comment: ERCC5: BP4, BP7